The following is an entry in ClinVar:

ClinVar aggregate classification (germline): Uncertain significance. Review status: criteria provided, multiple submitters, no conflicts (2 of 4 stars). 5 submissions from 4 submitters: Uncertain significance (5). Last evaluated 2025-07-12.

Conditions:
Eichsfeld type congenital muscular dystrophy (CMYO3). Also called: Rigid spine muscular dystrophy 1; MYOPATHY, SEPN1-RELATED; SELENON-related myopathy; Congenital myopathy 3 with rigid spine. Identifiers: MedGen C0410180, MONDO:0100100, OMIM 602771.
EMG abnormality. Identifiers: MedGen C0476403, HP:0003457.
EMG: myopathic abnormalities. Identifiers: MedGen C4021726, HP:0003458.
Joint laxity. Identifiers: MedGen C0086437.
Pain. Identifiers: MedGen C0030193, HP:0012531.

Allele frequency attached by ClinVar (database versions not stated): gnomAD 0.00001; ExAC 0.00002; gnomAD exomes 0.00002 and 0.00003; TOPMed 0.00003.
gnomAD v4.1: 45 of 1,614,082 alleles (0.0028%); highest among the groups gnomAD compares: South Asian, 0.015%; 1 homozygote.

Submissions (5):

GeneDx
Classification: Uncertain significance. Last evaluated: 2025-07-12. Review status: criteria provided, single submitter. Criteria: GeneDx Variant Classification Process June 2021. Collection method: clinical testing. Allele origin: germline. Affected: yes.
Comment: Not observed at significant frequency in large population cohorts (gnomAD); In silico analysis suggests that this missense variant does not alter protein structure/function; Has not been previously published as pathogenic or benign to our knowledge

Labcorp Genetics (formerly Invitae), Labcorp
Classification: Uncertain significance for Eichsfeld type congenital muscular dystrophy. Last evaluated: 2023-07-10. Review status: criteria provided, single submitter. Criteria: Invitae Variant Classification Sherloc (09022015). Collection method: clinical testing. Allele origin: germline.
Comment: This sequence change replaces arginine, which is basic and polar, with glutamine, which is neutral and polar, at codon 161 of the SELENON protein (p.Arg161Gln). This variant is present in population databases (rs765749301, gnomAD 0.01%). This variant has not been reported in the literature in individuals affected with SELENON-related conditions. ClinVar contains an entry for this variant (Variation ID: 373919). Advanced modeling of protein sequence and biophysical properties (such as structural, functional, and spatial information, amino acid conservation, physicochemical variation, residue mobility, and thermodynamic stability) performed at Invitae indicates that this missense variant is not expected to disrupt SELENON protein function. In summary, the available evidence is currently insufficient to determine the role of this variant in disease. Therefore, it has been classified as a Variant of Uncertain Significance.

Revvity Omics, Revvity
Classification: Uncertain significance for Eichsfeld type congenital muscular dystrophy. Last evaluated: 2020-02-12. Review status: criteria provided, single submitter. Criteria: ACMG Guidelines, 2015. Collection method: clinical testing. Allele origin: germline.

Centre for Mendelian Genomics, University Medical Centre Ljubljana
Classification: Uncertain significance. Last evaluated: 2016-01-01. Review status: criteria provided, single submitter. Criteria: ACMG Guidelines, 2015. Collection method: clinical testing. Allele origin: unknown. Affected: yes.
Comment: This variant was classified as: Uncertain significance.

Centre for Mendelian Genomics, University Medical Centre Ljubljana
Classification: Uncertain significance for EMG abnormality; EMG: myopathic abnormalities; Joint hypermobility; Pain. Last evaluated: 2015-09-23. Review status: criteria provided, single submitter. Criteria: ACMG Guidelines, 2015. Collection method: clinical testing. Allele origin: unknown. Affected: yes.

NM_206926.2(SELENON):c.380G>A (p.Arg127Gln)

Gene: SELENON (selenoprotein N; plus strand). Cytogenetic location: 1p36.11.
Variant type: single nucleotide variant.
Coding change: c.380G>A on transcript NM_206926.2 (MANE Select); coding-DNA position 380, G replaced by A.
Protein change: p.Arg127Gln; replaces arginine 127 with glutamine.
Molecular consequence: missense variant.
Genome position (GRCh38, 1-based): chr1:25,805,220, G>A. VCF-style: chr1-25805220-G-A. GRCh37 (hg19) VCF-style: chr1-26131711-G-A.
Other names: c.482G>A, p.Arg161Gln (NM_020451.3); short protein forms R161Q, R127Q.
Identifiers: ClinVar variation 373919 (VCV000373919.15), dbSNP rs765749301, ClinGen allele CA696514.